The following is an entry in ClinVar:

ClinVar aggregate classification (germline): Benign (1 of 4 stars; one submission).

Allele frequency attached by ClinVar (database versions not stated): gnomAD exomes 0.00001 and 0.00003; ExAC 0.00003; gnomAD 0.00018 and 0.00019; TOPMed 0.00021; ESP Exome Variant Server 0.00023.
gnomAD v4.1: 48 of 1,612,850 alleles (0.003%); highest among the groups gnomAD compares: African/African-American, 0.056%; no homozygotes.

Submission:

Women's Health and Genetics/Laboratory Corporation of America, LabCorp
Classification: Benign. Last evaluated: 2021-08-09. Review status: criteria provided, single submitter. Criteria: LabCorp Variant Classification Summary - May 2015. Collection method: clinical testing. Allele origin: germline.
Comment: Variant summary: EYA4 c.*16G>A is located in the untranslated mRNA region downstream of the termination codon. The variant allele was found at a frequency of 3.9e-05 in 282308 control chromosomes, predominantly at a frequency of 0.00044 within the African or African-American subpopulation in the gnomAD database. The observed variant frequency within African or African-American control individuals in the gnomAD database is approximately 28 fold of the estimated maximal expected allele frequency for a pathogenic variant in EYA4 causing Dilated Cardiomyopathy phenotype (1.6e-05), strongly suggesting that the variant is a benign polymorphism found primarily in populations of African or African-American origin. To our knowledge, no occurrence of c.*16G>A in individuals affected with Dilated Cardiomyopathy and no experimental evidence demonstrating its impact on protein function have been reported. No clinical diagnostic laboratories have submitted clinical-significance assessments for this variant to ClinVar after 2014. Based on the evidence outlined above, the variant was classified as benign.

NM_004100.5(EYA4):c.*16G>A

Genes: EYA4 (EYA transcriptional coactivator and phosphatase 4; plus strand), TARID (TCF21 antisense RNA inducing promoter demethylation; minus strand). Cytogenetic location: 6q23.2.
Variant type: single nucleotide variant.
Coding change: c.*16G>A on transcript NM_004100.5 (MANE Select); 16 bases downstream of the stop codon, G replaced by A.
Molecular consequence: 3 prime UTR variant.
Genome position (GRCh38, 1-based): chr6:133,528,821, G>A. VCF-style: chr6-133528821-G-A. GRCh37 (hg19) VCF-style: chr6-133849959-G-A.
Other names: c.*16G>A (NM_001301012.2, NM_001301013.2, NM_001370458.1 and 3 more transcripts).
Identifiers: ClinVar variation 1217295 (VCV001217295.1), dbSNP rs376077686, ClinGen allele CA4008517.